The following is an entry in ClinVar:

NM_000051.4(ATM):c.4620C>T (p.Asp1540=)

Gene: ATM (ATM serine/threonine kinase; plus strand). Cytogenetic location: 11q22.3.
Variant type: single nucleotide variant.
Coding change: c.4620C>T on transcript NM_000051.4 (MANE Select); coding-DNA position 4620, C replaced by T.
Protein change: p.Asp1540=; no amino-acid change (aspartic acid 1540 retained).
Molecular consequence: synonymous variant.
Genome position (GRCh38, 1-based): chr11:108,293,321, C>T. VCF-style: chr11-108293321-C-T. GRCh37 (hg19) VCF-style: chr11-108164048-C-T.
Other names: c.4620C>T, p.Asp1540= (NM_001351834.2).
Identifiers: ClinVar variation 478972 (VCV000478972.17), dbSNP rs1329153013, ClinGen allele CA476674370.

ClinVar aggregate classification (germline): Benign/Likely benign. Review status: criteria provided, multiple submitters, no conflicts (2 of 4 stars). 5 submissions from 5 submitters: Benign (1); Likely benign (4). Last evaluated 2025-12-23.

Conditions:
Hereditary cancer-predisposing syndrome. Also called: Tumor predisposition; Neoplastic Syndromes, Hereditary; Hereditary Cancer Syndrome; Hereditary neoplastic syndrome. Identifiers: Orphanet 140162, MedGen C0027672, MeSH D009386, MONDO:0015356.
Familial cancer of breast. Also called: BREAST CANCER, FAMILIAL; Hereditary breast cancer; hereditary breast carcinoma. Identifiers: Orphanet 227535, MedGen C0346153, MONDO:0016419, OMIM 114480. Disease mechanism: loss of function.
Ataxia-telangiectasia syndrome (AT). Also called: Cerebello-oculocutaneous telangiectasia; Immunodeficiency with ataxia telangiectasia; ATAXIA-TELANGIECTASIA, COMPLEMENTATION GROUP A; Ataxia-telangiectasia, complementation group D; AT, COMPLEMENTATION GROUP C; ATAXIA-TELANGIECTASIA, FRESNO VARIANT. Identifiers: Orphanet 100, MedGen C0004135, MONDO:0008840, OMIM 208900.

Allele frequency attached by ClinVar (database versions not stated): gnomAD exomes 0.00001.
gnomAD v4.1: 16 of 1,542,044 alleles (0.001%); highest among the groups gnomAD compares: East Asian, 0.036%; no homozygotes.

Submissions (5):

Labcorp Genetics (formerly Invitae), Labcorp
Classification: Likely benign for Ataxia-telangiectasia syndrome. Last evaluated: 2025-12-23. Review status: criteria provided, single submitter. Criteria: Invitae Variant Classification Sherloc (09022015). Collection method: clinical testing. Allele origin: germline.

Myriad Genetics, Inc.
Classification: Benign for Familial cancer of breast. Last evaluated: 2024-05-20. Review status: criteria provided, single submitter. Criteria: Myriad Autosomal Dominant, Autosomal Recessive and X-Linked Classification Criteria (2023). Collection method: clinical testing. Allele origin: unknown.
Comment: This variant is considered benign. This variant is a silent/synonymous amino acid change and it is not expected to impact splicing.

Women's Health and Genetics/Laboratory Corporation of America, LabCorp
Classification: Likely benign. Last evaluated: 2020-06-13. Review status: criteria provided, single submitter. Criteria: LabCorp Variant Classification Summary - May 2015. Collection method: clinical testing. Allele origin: germline.

Color Diagnostics, LLC DBA Color Health
Classification: Likely benign for Hereditary cancer-predisposing syndrome. Last evaluated: 2018-05-22. Review status: criteria provided, single submitter. Criteria: ACMG Guidelines, 2015. Collection method: clinical testing. Allele origin: germline.

Ambry Genetics
Classification: Likely benign for Hereditary cancer-predisposing syndrome. Last evaluated: 2016-04-15. Review status: criteria provided, single submitter. Criteria: Ambry Variant Classification Scheme 2023. Collection method: clinical testing. Allele origin: germline.